The following is an entry in ClinVar:

NM_000834.5(GRIN2B):c.216C>T (p.Ala72=)

Gene: GRIN2B (glutamate ionotropic receptor NMDA type subunit 2B; minus strand). Cytogenetic location: 12p13.1.
Variant type: single nucleotide variant.
Coding change: c.216C>T on transcript NM_000834.5 (MANE Select); coding-DNA position 216, C replaced by T.
Protein change: p.Ala72=; no amino-acid change (alanine 72 retained).
Molecular consequence: synonymous variant.
Genome position (GRCh38, 1-based): chr12:13,865,993, G>A on the plus strand (C>T on the coding strand, the complement: GRIN2B is on the minus strand). VCF-style: chr12-13865993-G-A. GRCh37 (hg19) VCF-style: chr12-14018927-G-A.
Other names: c.216C>T, p.Ala72= (NM_001413992.1, NM_001413993.1, NM_001413994.1 and 1 more transcripts).
Identifiers: ClinVar variation 3057834 (VCV003057834.3), dbSNP rs1865820922, ClinGen allele CA478853863.
Genomic context (GRCh38, chr12:13,865,993, plus strand): 5'-CCGGTCAGACATGAGATCACAGATGCGGGTGATGATGCTCTTTGGGTCGGTCTCATTCAT[G>A]GCTACCAGTTCCACCCGGGGTACCACGGAGAGATGGTGGAAATCATCTTTCTCGTGGGCA-3'
Protein context (NP_000825.2, residues 62-82): LSVVPRVELV[Ala72=]MNETDPKSII

ClinVar aggregate classification (germline): Likely benign. Review status: criteria provided, single submitter (1 of 4 stars). 2 submissions from 2 submitters: Likely benign (1). 1 of the submissions does not count toward it. Last evaluated 2024-03-11.

Conditions:
GRIN2B-related disorder. Also called: GRIN2B-related condition.

Allele frequency attached by ClinVar (database versions not stated): TOPMed below 0.00001.

Submissions (2):

Women's Health and Genetics/Laboratory Corporation of America, LabCorp
Classification: Likely benign. Last evaluated: 2024-03-11. Review status: criteria provided, single submitter. Criteria: LabCorp Variant Classification Summary - May 2015. Collection method: clinical testing. Allele origin: germline.
Comment: Variant summary: GRIN2B c.216C>T alters a conserved nucleotide resulting in a synonymous change. Consensus agreement among computation tools predict no significant impact on normal splicing. However, these predictions have yet to be confirmed by functional studies. The variant was absent in 251022 control chromosomes (gnomAD). The available data on variant occurrences in the general population are insufficient to allow any conclusion about variant significance. To our knowledge, no occurrence of c.216C>T in individuals affected with Mental Retardation, Autosomal Dominant 6 and no experimental evidence demonstrating its impact on protein function have been reported. No submitters have cited clinical-significance assessments for this variant to ClinVar. Based on the evidence outlined above, the variant was classified as likely benign.

PreventionGenetics, part of Exact Sciences
Classification: Likely benign for GRIN2B-related condition. Last evaluated: 2019-02-28. Review status: no assertion criteria provided. Collection method: clinical testing. Allele origin: germline. Not counted in ClinVar's aggregate classification.
Comment: This variant is classified as likely benign based on ACMG/AMP sequence variant interpretation guidelines (Richards et al. 2015 PMID: 25741868, with internal and published modifications).